The following is an entry in ClinVar:

ClinVar aggregate classification (germline): Uncertain significance (1 of 4 stars; one submission).

Conditions:
Cardiovascular phenotype. Identifiers: MedGen CN230736.

Submission:

Ambry Genetics
Classification: Uncertain significance for Cardiovascular phenotype. Last evaluated: 2026-08-16. Review status: criteria provided, single submitter. Criteria: Ambry Variant Classification Scheme 2023. Collection method: clinical testing. Allele origin: germline.
Comment: The p.S521Y variant (also known as c.1562C>A), located in coding exon 12 of the ENG gene, results from a C to A substitution at nucleotide position 1562. The serine at codon 521 is replaced by tyrosine, an amino acid with dissimilar properties. This amino acid position is conserved. In addition, this alteration is predicted to be tolerated by in silico analysis. Based on the available evidence, the clinical significance of this variant remains unclear.

NM_001114753.3(ENG):c.1562C>A (p.Ser521Tyr)

Genes: ENG (endoglin; minus strand), LOC102723566 (uncharacterized LOC102723566; plus strand). Cytogenetic location: 9q34.11.
Variant type: single nucleotide variant.
Coding change: c.1562C>A on transcript NM_001114753.3 (MANE Select); coding-DNA position 1562, C replaced by A.
Protein change: p.Ser521Tyr; replaces serine 521 with tyrosine.
Molecular consequence: missense variant.
Genome position (GRCh38, 1-based): chr9:127,818,244, G>T on the plus strand (C>A on the coding strand, the complement: ENG is on the minus strand). VCF-style: chr9-127818244-G-T. GRCh37 (hg19) VCF-style: chr9-130580523-G-T.
Other names: c.1562C>A, p.Ser521Tyr (NM_000118.4); c.1016C>A, p.Ser339Tyr (NM_001278138.2); short protein forms S339Y, S521Y.
Identifiers: ClinVar variation 5035978 (VCV005035978.1).